The following is an entry in ClinVar:

ClinVar aggregate classification (germline): Uncertain significance (1 of 4 stars; one submission).

Conditions:
Cardiovascular phenotype. Identifiers: MedGen CN230736.

Submission:

Ambry Genetics
Classification: Uncertain significance for Cardiovascular phenotype. Last evaluated: 2024-11-02. Review status: criteria provided, single submitter. Criteria: Ambry Variant Classification Scheme 2023. Collection method: clinical testing. Allele origin: germline.
Comment: The p.P435R variant (also known as c.1304C>G), located in coding exon 5 of the MYPN gene, results from a C to G substitution at nucleotide position 1304. The proline at codon 435 is replaced by arginine, an amino acid with dissimilar properties. This amino acid position is conserved. In addition, this alteration is predicted to be deleterious by in silico analysis. Based on the available evidence, the clinical significance of this variant remains unclear.

NM_032578.4(MYPN):c.1304C>G (p.Pro435Arg)

Gene: MYPN (myopalladin; plus strand). Cytogenetic location: 10q21.3.
Variant type: single nucleotide variant.
Coding change: c.1304C>G on transcript NM_032578.4 (MANE Select); coding-DNA position 1304, C replaced by G.
Protein change: p.Pro435Arg; replaces proline 435 with arginine.
Molecular consequence: missense variant. On other transcripts: non-coding transcript variant (2).
Genome position (GRCh38, 1-based): chr10:68,150,098, C>G. VCF-style: chr10-68150098-C-G. GRCh37 (hg19) VCF-style: chr10-69909855-C-G.
Other names: c.1304C>G, p.Pro435Arg (NM_001256267.2); c.422C>G, p.Pro141Arg (NM_001256268.2); short protein forms P141R, P435R.
Identifiers: ClinVar variation 3402112 (VCV003402112.1).